The following is an entry in ClinVar:

NM_001378457.1(DMXL2):c.5098A>G (p.Asn1700Asp)

Gene: DMXL2 (Dmx like 2; minus strand). Cytogenetic location: 15q21.2.
Variant type: single nucleotide variant.
Coding change: c.5098A>G on transcript NM_001378457.1 (MANE Select); coding-DNA position 5098, A replaced by G.
Protein change: p.Asn1700Asp; replaces asparagine 1700 with aspartic acid.
Molecular consequence: missense variant. On other transcripts: non-coding transcript variant (2).
Genome position (GRCh38, 1-based): chr15:51,488,073, T>C on the plus strand (A>G on the coding strand, the complement: DMXL2 is on the minus strand). VCF-style: chr15-51488073-T-C. GRCh37 (hg19) VCF-style: chr15-51780270-T-C.
Other names: c.5098A>G, p.Asn1700Asp (NM_001174116.3, NM_001378458.1, NM_001378459.1 and 4 more transcripts); c.3190A>G, p.Asn1064Asp (NM_001174117.3); c.3079A>G, p.Asn1027Asp (NM_001378460.1); c.4858A>G, p.Asn1620Asp (NM_001378464.1); short protein forms N1027D, N1064D, N1620D, N1700D.
Identifiers: ClinVar variation 3029452 (VCV003029452.4), dbSNP rs767788508, ClinGen allele CA7561862.
Genomic context (GRCh38, chr15:51,488,073, plus strand): 5'-GTTGTTTTCCAAGTAAGGAAAAAGCATTTTTCAAAGCAGCTTTTCGCCATCTATCTTCAT[T>C]AAAGTTGTGGCTGAAAAATGTTGTCATTTTTTCATCATGCTGTGACCTGGGGACCGAGCA-3'
Protein context (NP_001365386.1, residues 1690-1710): KMTTFFSHNF[Asn1700Asp]EDRWRKAALK

ClinVar aggregate classification (germline): Uncertain significance. Review status: criteria provided, multiple submitters, no conflicts (2 of 4 stars). 2 submissions from 2 submitters: Uncertain significance (2). Last evaluated 2025-06-07.

Conditions:
DMXL2-related disorder. Also called: DMXL2-related condition.
Inborn genetic diseases. Identifiers: MedGen C0950123, MeSH D030342.

Allele frequency attached by ClinVar (database versions not stated): ExAC 0.00001; gnomAD exomes 0.00001; gnomAD 0.00005; TOPMed 0.00005.
gnomAD v4.1: 10 of 1,611,810 alleles (0.00062%); highest among the groups gnomAD compares: African/African-American, 0.013%; no homozygotes.

Submissions (2):

Ambry Genetics
Classification: Uncertain significance for Inborn genetic diseases. Last evaluated: 2025-06-07. Review status: criteria provided, single submitter. Criteria: Ambry Variant Classification Scheme 2023. Collection method: clinical testing. Allele origin: germline.

PreventionGenetics, part of Exact Sciences
Classification: Uncertain significance for DMXL2-related condition. Last evaluated: 2025-05-27. Review status: criteria provided, single submitter. Criteria: ACMG Guidelines, 2015. Collection method: clinical testing. Allele origin: germline.
Comment: The DMXL2 c.5098A>G variant is predicted to result in the amino acid substitution p.Asn1700Asp. To our knowledge, this variant has not been reported in the literature. This variant is reported in 0.016% of alleles in individuals of African descent in gnomAD. At this time, the clinical significance of this variant is uncertain due to the absence of conclusive functional and genetic evidence.